The following is an entry in ClinVar:

NM_032638.5(GATA2):c.495C>A (p.His165Gln)

Gene: GATA2 (GATA binding protein 2; minus strand). Cytogenetic location: 3q21.3.
Variant type: single nucleotide variant.
Coding change: c.495C>A on transcript NM_032638.5 (MANE Select); coding-DNA position 495, C replaced by A.
Protein change: p.His165Gln; replaces histidine 165 with glutamine.
Molecular consequence: missense variant.
Genome position (GRCh38, 1-based): chr3:128,486,103, G>T on the plus strand (C>A on the coding strand, the complement: GATA2 is on the minus strand). VCF-style: chr3-128486103-G-T. GRCh37 (hg19) VCF-style: chr3-128204946-G-T.
Other names: c.495C>A, p.His165Gln (NM_001145661.2, NM_001145662.1); short protein forms H165Q.
Identifiers: ClinVar variation 657063 (VCV000657063.8), dbSNP rs887833751, ClinGen allele CA354406647.

ClinVar aggregate classification (germline): Uncertain significance (1 of 4 stars; one submission).

Conditions:
Monocytopenia with susceptibility to infections. Also called: IMMUNODEFICIENCY 21; GATA2 DEFICIENCY; MONOCYTOPENIA AND MYCOBACTERIAL INFECTION SYNDROME; MONOCYTOPENIA WITH SUSCEPTIBILITY TO MYCOBACTERIAL, FUNGAL, AND PAPILLOMAVIRUS INFECTIONS AND MYELODYSPLASIA; COMBINED IMMUNODEFICIENCY WITH SUSCEPTIBILITY TO MYCOBACTERIAL, VIRAL, AND FUNGAL INFECTIONS; Dendritic cell, monocyte, B lymphocyte, and natural killer lymphocyte deficiency. Identifiers: Orphanet 228423, MedGen C3280030, MONDO:0013607, OMIM 614172.
Deafness-lymphedema-leukemia syndrome. Also called: Lymphedema, primary, with myelodysplasia; Emberger syndrome. Identifiers: Orphanet 3226, MedGen C3279664, MONDO:0013540, OMIM 614038.

Submission:

Labcorp Genetics (formerly Invitae), Labcorp
Classification: Uncertain significance for Monocytopenia with susceptibility to infections; Deafness-lymphedema-leukemia syndrome. Last evaluated: 2024-01-11. Review status: criteria provided, single submitter. Criteria: Invitae Variant Classification Sherloc (09022015). Collection method: clinical testing. Allele origin: germline.
Comment: This sequence change replaces histidine, which is basic and polar, with glutamine, which is neutral and polar, at codon 165 of the GATA2 protein (p.His165Gln). This variant is not present in population databases (gnomAD no frequency). This variant has not been reported in the literature in individuals affected with GATA2-related conditions. ClinVar contains an entry for this variant (Variation ID: 657063). Advanced modeling of protein sequence and biophysical properties (such as structural, functional, and spatial information, amino acid conservation, physicochemical variation, residue mobility, and thermodynamic stability) performed at Invitae indicates that this missense variant is not expected to disrupt GATA2 protein function with a negative predictive value of 95%. In summary, the available evidence is currently insufficient to determine the role of this variant in disease. Therefore, it has been classified as a Variant of Uncertain Significance.